The following is an entry in ClinVar:

ClinVar aggregate classification (germline): Likely benign. Review status: criteria provided, single submitter (1 of 4 stars). 2 submissions from 2 submitters: Likely benign (1). 1 of the submissions does not count toward it. Last evaluated 2022-04-01.

Conditions:
NCAPD2-related disorder. Also called: NCAPD2-related condition.

Allele frequency attached by ClinVar (database versions not stated): gnomAD 0.00022 and 0.00027; TOPMed 0.00023; 1000 Genomes Project 30x 0.00031; ExAC 0.00037; ESP Exome Variant Server 0.00038; 1000 Genomes Project 0.00040.
gnomAD v4.1: 473 of 1,614,148 alleles (0.029%); highest among the groups gnomAD compares: Middle Eastern, 0.16%; no homozygotes.

Submissions (2):

CeGaT Center for Human Genetics Tuebingen
Classification: Likely benign. Last evaluated: 2022-04-01. Review status: criteria provided, single submitter. Criteria: CeGaT Center For Human Genetics Tuebingen Variant Classification Criteria Version 2. Collection method: clinical testing. Allele origin: germline. Affected: yes. Observed: 1 variant allele.
Comment: NCAPD2: BP4

PreventionGenetics, part of Exact Sciences
Classification: Likely benign for NCAPD2-related condition. Last evaluated: 2019-07-10. Review status: no assertion criteria provided. Collection method: clinical testing. Allele origin: germline. Not counted in ClinVar's aggregate classification.
Comment: This variant is classified as likely benign based on ACMG/AMP sequence variant interpretation guidelines (Richards et al. 2015 PMID: 25741868, with internal and published modifications).

NM_014865.4(NCAPD2):c.3195G>A (p.Lys1065=)

Gene: NCAPD2 (non-SMC condensin I complex subunit D2; plus strand). Cytogenetic location: 12p13.31.
Variant type: single nucleotide variant.
Coding change: c.3195G>A on transcript NM_014865.4 (MANE Select); coding-DNA position 3195, G replaced by A.
Protein change: p.Lys1065=; no amino-acid change (lysine 1065 retained).
Molecular consequence: synonymous variant.
Genome position (GRCh38, 1-based): chr12:6,528,224, G>A. VCF-style: chr12-6528224-G-A. GRCh37 (hg19) VCF-style: chr12-6637390-G-A.
Other names: c.3195G>A (NM_014865.3).
Identifiers: ClinVar variation 1694655 (VCV001694655.32), dbSNP rs150344215, ClinGen allele CA6408982.
Genomic context (GRCh38, chr12:6,528,224, plus strand): 5'-TGCTCTTAGTGCCACTTTCTGCGACTCCCAGCTTCGTCTTCTGTTCACCATGCTGGAAAA[G>A]TCTCCACTTCCCATTGTCCGGTCTAACCTCATGGTTGCCACTGGGGATCTGGCCATCCGC-3'
Protein context (NP_055680.3, residues 1055-1075): QLRLLFTMLE[Lys1065=]SPLPIVRSNL